The following is an entry in ClinVar:

NM_000264.5(PTCH1):c.4015del (p.Trp1339fs)

Gene: PTCH1 (patched 1; minus strand). Cytogenetic location: 9q22.32.
Variant type: Deletion.
Coding change: c.4015del on transcript NM_000264.5 (MANE Select); coding-DNA position 4015, one base deleted (T; older notation c.4015delT).
Protein change: p.Trp1339fs; shifts the reading frame from tryptophan 1339.
Molecular consequence: frameshift variant. On other transcripts: non-coding transcript variant (1).
Genome position (GRCh38, 1-based): chr9:95,447,241, A deleted on the plus strand (T on the coding strand, the reverse complement: PTCH1 is on the minus strand). VCF-style (leftmost placement, unchanged base first): chr9-95447240-CA-C. GRCh37 (hg19) VCF-style: chr9-98209522-CA-C.
Other names: c.3817del, p.Trp1273fs (NM_001083602.3); c.4012del, p.Trp1338fs (NM_001083603.3); c.3562del, p.Trp1188fs (NM_001083604.3, NM_001083605.3, NM_001083606.3 and 1 more transcripts); c.3859del, p.Trp1287fs (NM_001354918.2); short protein forms W1188fs, W1273fs, W1287fs, W1338fs, W1339fs.
Identifiers: ClinVar variation 4862689 (VCV004862689.1).
Genomic context (GRCh38, chr9:95,447,240, plus strand): 5'-CTGCCCATGGCAGTGGACGCTGGGTTCCGAGGGTTGTGAGAACGGGCCCCGCGAGGGCCC[CA>C]GCGGGCCCTATTGCTAGGGCCAGAATGCCCTTCAGTAGAAATTTCAAAAGCGTCTCTGCG-3'

ClinVar aggregate classification (germline): Uncertain significance (1 of 4 stars; one submission).

Conditions:
Hereditary cancer-predisposing syndrome. Also called: Neoplastic Syndromes, Hereditary; Tumor predisposition; Hereditary Cancer Syndrome; Hereditary neoplastic syndrome. Identifiers: Orphanet 140162, MedGen C0027672, MeSH D009386, MONDO:0015356.

Submission:

Ambry Genetics
Classification: Uncertain significance for Hereditary cancer-predisposing syndrome. Last evaluated: 2026-05-05. Review status: criteria provided, single submitter. Criteria: Ambry Variant Classification Scheme 2023. Collection method: clinical testing. Allele origin: germline.
Comment: The c.4015delT variant, located in coding exon 23 of the PTCH1 gene, results from a deletion of one nucleotide at nucleotide position 4015, causing a translational frameshift with a predicted alternate stop codon (p.W1339Gfs*33). This variant occurs at the 3' terminus of the gene, is not expected to trigger nonsense-mediated mRNAdecay, and impacts the last 7.5% of the protein. The exact functional effect of this variant is unknown. Based on the available evidence, the clinical significance of this variant remains unclear.